The following is an entry in ClinVar:

ClinVar aggregate classification (germline): Uncertain significance (1 of 4 stars; one submission).

Conditions:
Aicardi-Goutieres syndrome 7 (AGS7). Identifiers: Orphanet 51, MedGen C3888244, MONDO:0014367, OMIM 615846.
Singleton-Merten syndrome 1 (SGMRT1). Also called: Widened medullary cavities of bone, aortic calcification, abnormal dentition, and muscular weakness; Syndrome of widened medullary cavities of the metacarpals and phalanges, aortic calcification and abnormal dentition. Identifiers: Orphanet 85191, MedGen C4225427, MONDO:0024535, OMIM 182250.

Allele frequency attached by ClinVar (database versions not stated): gnomAD 0.00001.
gnomAD v4.1: 1 of 1,612,404 alleles (0.000062%); highest among the groups gnomAD compares: Admixed American, 0.0017%; no homozygotes.

Submission:

Labcorp Genetics (formerly Invitae), Labcorp
Classification: Uncertain significance for Aicardi-Goutieres syndrome 7; Singleton-Merten syndrome 1. Last evaluated: 2023-06-18. Review status: criteria provided, single submitter. Criteria: Invitae Variant Classification Sherloc (09022015). Collection method: clinical testing. Allele origin: germline.
Comment: In summary, the available evidence is currently insufficient to determine the role of this variant in disease. Therefore, it has been classified as a Variant of Uncertain Significance. Advanced modeling of protein sequence and biophysical properties (such as structural, functional, and spatial information, amino acid conservation, physicochemical variation, residue mobility, and thermodynamic stability) has been performed at Invitae for this missense variant, however the output from this modeling did not meet the statistical confidence thresholds required to predict the impact of this variant on IFIH1 protein function. This variant has not been reported in the literature in individuals affected with IFIH1-related conditions. This variant is not present in population databases (gnomAD no frequency). This sequence change replaces asparagine, which is neutral and polar, with serine, which is neutral and polar, at codon 469 of the IFIH1 protein (p.Asn469Ser).

NM_022168.4(IFIH1):c.1406A>G (p.Asn469Ser)

Gene: IFIH1 (interferon induced with helicase C domain 1; minus strand). Cytogenetic location: 2q24.2.
Variant type: single nucleotide variant.
Coding change: c.1406A>G on transcript NM_022168.4 (MANE Select); coding-DNA position 1406, A replaced by G.
Protein change: p.Asn469Ser; replaces asparagine 469 with serine.
Molecular consequence: missense variant.
Genome position (GRCh38, 1-based): chr2:162,281,446, T>C on the plus strand (A>G on the coding strand, the complement: IFIH1 is on the minus strand). VCF-style: chr2-162281446-T-C. GRCh37 (hg19) VCF-style: chr2-163137956-T-C.
Other names: short protein forms N469S.
Identifiers: ClinVar variation 2949000 (VCV002949000.3), dbSNP rs1682807167, ClinGen allele CA349002372.